The following is an entry in ClinVar:

NM_002070.4(GNAI2):c.362C>G (p.Pro121Arg)

Gene: GNAI2 (G protein subunit alpha i2; plus strand). Cytogenetic location: 3p21.31.
Variant type: single nucleotide variant.
Coding change: c.362C>G on transcript NM_002070.4 (MANE Select); coding-DNA position 362, C replaced by G.
Protein change: p.Pro121Arg; replaces proline 121 with arginine.
Molecular consequence: missense variant.
Genome position (GRCh38, 1-based): chr3:50,253,082, C>G. VCF-style: chr3-50253082-C-G. GRCh37 (hg19) VCF-style: chr3-50290514-C-G.
Other names: c.251C>G, p.Pro84Arg (NM_001166425.2); c.206C>G, p.Pro69Arg (NM_001282617.2); c.119C>G, p.Pro40Arg (NM_001282618.2); c.314C>G, p.Pro105Arg (NM_001282619.2, NM_001282620.2); short protein forms P105R, P121R, P40R, P69R, P84R.
Identifiers: ClinVar variation 3365711 (VCV003365711.1).
Genomic context (GRCh38, chr3:50,253,082, plus strand): 5'-AGGACGACGCCAGGCAGCTATTTGCACTGTCCTGCACCGCCGAGGAGCAAGGCGTGCTCC[C>G]TGATGACCTGTCCGGCGTCATCCGGAGGCTCTGGGCTGACCATGGTGTGCAGGCCTGCTT-3'
Protein context (NP_002061.1, residues 111-131): SCTAEEQGVL[Pro121Arg]DDLSGVIRRL

ClinVar aggregate classification (germline): Uncertain significance (1 of 4 stars; one submission).

Submission:

GeneDx
Classification: Uncertain significance. Last evaluated: 2023-02-14. Review status: criteria provided, single submitter. Criteria: GeneDx Variant Classification Process June 2021. Collection method: clinical testing. Allele origin: germline. Affected: yes.
Comment: Not observed at significant frequency in large population cohorts (gnomAD); In silico analysis supports that this missense variant does not alter protein structure/function; Has not been previously published as pathogenic or benign to our knowledge; Variants in candidate genes are classified as variants of uncertain significance in accordance with ACMG guidelines (Richards et al., 2015)